The following is an entry in ClinVar:

ClinVar aggregate classification (germline): Uncertain significance (1 of 4 stars; one submission).

Submission:

GeneDx
Classification: Uncertain significance. Last evaluated: 2020-02-14. Review status: criteria provided, single submitter. Criteria: GeneDx Variant Classification Process June 2021. Collection method: clinical testing. Allele origin: germline. Affected: yes.
Comment: Not observed in large population cohorts (Lek et al., 2016); In silico analysis supports that this missense variant has a deleterious effect on protein structure/function; Has not been previously published as pathogenic or benign to our knowledge

NM_001127222.2(CACNA1A):c.4142T>C (p.Ile1381Thr)

Genes: CACNA1A (calcium voltage-gated channel subunit alpha1 A; minus strand), LOC126862864 (MED14-independent group 3 enhancer GRCh37_chr19:13371552-13372751; plus strand). Cytogenetic location: 19p13.13.
Variant type: single nucleotide variant.
Coding change: c.4142T>C on transcript NM_001127222.2 (MANE Select); coding-DNA position 4142, T replaced by C.
Protein change: p.Ile1381Thr; replaces isoleucine 1381 with threonine.
Molecular consequence: missense variant.
Genome position (GRCh38, 1-based): chr19:13,261,558, A>G on the plus strand (T>C on the coding strand, the complement: CACNA1A is on the minus strand). VCF-style: chr19-13261558-A-G. GRCh37 (hg19) VCF-style: chr19-13372372-A-G.
Other names: c.4154T>C, p.Ile1385Thr (NM_000068.4, NM_023035.3); c.4145T>C, p.Ile1382Thr (NM_001127221.2, NM_001174080.2); short protein forms I1381T, I1382T, I1385T.
Identifiers: ClinVar variation 1304930 (VCV001304930.2), dbSNP rs2144767542, ClinGen allele CA404339776.
Genomic context (GRCh38, chr19:13,261,558, plus strand): 5'-TTCCCCTTGAAGAGCTGCACAGCCACCACGGCGAAGATGAACATGAATAGCATGTAGACG[A>G]TGAGGATGTTGAAGACGTTTTTAAGTGAGTTCACCACACAGTCAAACACAGCCTGTGGGG-3'
Protein context (NP_001120694.1, residues 1371-1391): NSLKNVFNIL[Ile1381Thr]VYMLFMFIFA